The following is an entry in ClinVar:

NM_000302.4(PLOD1):c.911T>A (p.Phe304Tyr)

Gene: PLOD1 (procollagen-lysine,2-oxoglutarate 5-dioxygenase 1; plus strand). Cytogenetic location: 1p36.22.
Variant type: single nucleotide variant.
Coding change: c.911T>A on transcript NM_000302.4 (MANE Select); coding-DNA position 911, T replaced by A.
Protein change: p.Phe304Tyr; replaces phenylalanine 304 with tyrosine.
Molecular consequence: missense variant.
Genome position (GRCh38, 1-based): chr1:11,958,583, T>A. VCF-style: chr1-11958583-T-A. GRCh37 (hg19) VCF-style: chr1-12018640-T-A.
Other names: c.1052T>A, p.Phe351Tyr (NM_001316320.2); short protein forms F304Y, F351Y.
Identifiers: ClinVar variation 1765879 (VCV001765879.2), dbSNP rs2522834011, ClinGen allele CA338434372.

ClinVar aggregate classification (germline): Uncertain significance (1 of 4 stars; one submission).

Conditions:
Familial thoracic aortic aneurysm and aortic dissection (TAAD). Also called: Thoracic aortic aneurysms and dissections. Identifiers: Orphanet 91387, MedGen C4707243, MONDO:0019625.

Submission:

Ambry Genetics
Classification: Uncertain significance for Familial thoracic aortic aneurysm and aortic dissection. Last evaluated: 2022-08-03. Review status: criteria provided, single submitter. Criteria: Ambry Variant Classification Scheme 2023. Collection method: clinical testing. Allele origin: germline.
Comment: The p.F304Y variant (also known as c.911T>A), located in coding exon 9 of the PLOD1 gene, results from a T to A substitution at nucleotide position 911. The phenylalanine at codon 304 is replaced by tyrosine, an amino acid with highly similar properties. This amino acid position is conserved. In addition, this alteration is predicted to be deleterious by in silico analysis. Since supporting evidence is limited at this time, the clinical significance of this alteration remains unclear.